The following is an entry in ClinVar:

ClinVar aggregate classification (germline): Conflicting classifications of pathogenicity. Review status: criteria provided, conflicting classifications (1 of 4 stars). 11 submissions from 10 submitters: Uncertain significance (4); Likely benign (3). 4 of the submissions do not count toward it. Last evaluated 2026-09-01.

Conditions:
Hypertrophic cardiomyopathy. Also called: HYPERTROPHIC MYOCARDIOPATHY. Identifiers: Orphanet 217569, MedGen C0007194, MeSH D002312, MONDO:0005045, HP:0001639.
Syncope. Also called: fainting. Identifiers: MedGen C0039070, HP:0001279.
Tibial muscular dystrophy (TMD). Also called: Tibial muscular dystrophy, tardive; Udd Distal Myopathy – Tibial Muscular Dystrophy; UDD MYOPATHY. Identifiers: Orphanet 609, MedGen C1838244, MONDO:0010870, OMIM 600334.

Allele frequency attached by ClinVar (database versions not stated): TOPMed 0.00038; 1000 Genomes Project 30x 0.00078; ESP Exome Variant Server 0.00008; gnomAD exomes 0.00041 and 0.00056; ExAC 0.00041; gnomAD 0.00029 and 0.00036; 1000 Genomes Project 0.00080.
gnomAD v4.1: 865 of 1,611,782 alleles (0.054%); highest among the groups gnomAD compares: South Asian, 0.077%; 1 homozygote.

Submissions (11):

CeGaT Center for Human Genetics Tuebingen
Classification: Likely benign. Last evaluated: 2026-09-01. Review status: criteria provided, single submitter. Criteria: CeGaT Center For Human Genetics Tuebingen Variant Classification Criteria Version 2. Collection method: clinical testing. Allele origin: germline. Affected: yes. Observed: 5 variant alleles.
Comment: TTN: BP4

Blueprint Genetics
Classification: Likely benign. Last evaluated: 2024-10-23. Review status: criteria provided, single submitter. Criteria: ACMG Guidelines, 2015. Collection method: clinical testing. Allele origin: germline.

GeneDx
Classification: Likely benign. Last evaluated: 2019-03-08. Review status: criteria provided, single submitter. Criteria: GeneDx Variant Classification Process June 2021. Collection method: clinical testing. Allele origin: germline. Affected: yes.
Comment: This variant is associated with the following publications: (PMID: 23476865)

Eurofins Ntd Llc (ga)
Classification: Uncertain significance. Last evaluated: 2018-05-22. Review status: criteria provided, single submitter. Criteria: EGL ClinVar v180209 classification definitions. Collection method: clinical testing. Allele origin: germline. Observed: 4 variant alleles, 4 heterozygotes.

Centre for Mendelian Genomics, University Medical Centre Ljubljana
Classification: Uncertain significance for Tibial muscular dystrophy. Last evaluated: 2016-01-01. Review status: criteria provided, single submitter. Criteria: ACMG Guidelines, 2015. Collection method: clinical testing. Allele origin: unknown. Affected: yes.
Comment: This variant was classified as: Uncertain significance.

Centre for Mendelian Genomics, University Medical Centre Ljubljana
Classification: Uncertain significance for Hypertrophic cardiomyopathy; Syncope. Last evaluated: 2015-10-29. Review status: criteria provided, single submitter. Criteria: ACMG Guidelines, 2015. Collection method: clinical testing. Allele origin: unknown. Affected: yes.

Laboratory for Molecular Medicine, Mass General Brigham Personalized Medicine
Classification: Uncertain significance. Last evaluated: 2013-08-27. Review status: criteria provided, single submitter. Criteria: LMM Criteria. Collection method: clinical testing. Allele origin: germline. Observed: 1 variant allele.
Comment: Computational analyses are limited or unavailable for this variant. Additional information is needed to fully assess its clinical significance.

Department of Pathology and Laboratory Medicine, Sinai Health System
Classification: Uncertain significance. Review status: no assertion criteria provided. Collection method: clinical testing. Allele origin: unknown. Affected: yes. Study: The Canadian Open Genetics Repository (COGR). Not counted in ClinVar's aggregate classification.
Comment: The TTN p.Lys4455Arg variant was identified in the literature, however the frequency of this variant in an affected population was not provided. The variant was also identified in dbSNP (ID: rs142304137), ClinVar (conflicting interpretations of pathogenicity, associated with syncope and hypertrophic cardiomyopathy; classified as Uncertain Significance by Laboratory for Molecular Medicine at Partners Healthcare, Centre for Mendelian Genomics at University Medical Centre Ljubljana, EGL Genetic Diagnostics and classified as Likely Benign by GeneDx), and LOVD 3.0. The variant was not identified in the Cosmic database. The variant was identified in control databases in 110 of 280462 chromosomes at a frequency of 0.000392 increasing the likelihood this could be a low frequency benign variant (Genome Aggregation Database Feb 27, 2017). The variant was observed in the following populations: South Asian in 30 of 30546 chromosomes (freq: 0.000982), European (non-Finnish) in 62 of 128212 chromosomes (freq: 0.000484), Other in 3 of 7108 chromosomes (freq: 0.000422), Latino in 13 of 35210 chromosomes (freq: 0.000369), African in 2 of 24318 chromosomes (freq: 0.000082), while the variant was not observed in the Ashkenazi Jewish, East Asian, and European (Finnish) populations. A pan cardiomyopathy microarray identified three missense variants in this individual: RYR2 p.Arg169Gln, CASQ2 p.Asp398del, and TTN p.Lys4455Arg (Egan_2013_PMID: 23476865). Four out of five computational analyses (PolyPhen-2, SIFT, AlignGVGD, MutationTaster) do not suggest a high likelihood of impact to the protein; this information is not predictive enough to rule out pathogenicity. The variant occurs outside of the splicing consensus sequence and 3 of 4 in silico or computational prediction software programs (SpliceSiteFinder, MaxEntScan, NNSPLICE) predict a greater than 10% difference in splicing, specificically a decrease in 5â€šÃ„Ã´ splicing activity at the variant location. However, this information is not predictive enough to assume pathogenicity. In summary, based on the above information the clinical significance of this variant cannot be determined with certainty at this time. This variant is classified as a variant of uncertain significance.

Diagnostic Laboratory, Department of Genetics, University Medical Center Groningen
Classification: Likely benign. Review status: no assertion criteria provided. Collection method: clinical testing. Allele origin: germline. Affected: yes. Study: VKGL Data-share Consensus. Not counted in ClinVar's aggregate classification.

Joint Genome Diagnostic Labs from Nijmegen and Maastricht, Radboudumc and MUMC+
Classification: Likely benign. Review status: no assertion criteria provided. Collection method: clinical testing. Allele origin: germline. Affected: yes. Study: VKGL Data-share Consensus. Not counted in ClinVar's aggregate classification.

Laboratory of Diagnostic Genome Analysis, Leiden University Medical Center (LUMC)
Classification: Likely benign. Review status: no assertion criteria provided. Collection method: clinical testing. Allele origin: germline. Affected: yes. Study: VKGL Data-share Consensus. Not counted in ClinVar's aggregate classification.

NM_133379.5(TTN):c.13364A>G (p.Lys4455Arg)

Gene: TTN (titin; minus strand). Cytogenetic location: 2q31.2.
Variant type: single nucleotide variant.
Coding change: c.13364A>G on transcript NM_133379.5; coding-DNA position 13364, A replaced by G.
Protein change: p.Lys4455Arg; replaces lysine 4455 with arginine.
Molecular consequence: missense variant. On other transcripts: intron variant (6).
Genome position (GRCh38, 1-based): chr2:178,749,036, T>C on the plus strand (A>G on the coding strand, the complement: TTN is on the minus strand). VCF-style: chr2-178749036-T-C. GRCh37 (hg19) VCF-style: chr2-179613763-T-C.
Other names: p.K4455R:AAG>AGG; c.10360+4088A>G (NM_001256850.1, NM_133378.4); c.10222+4088A>G (NM_003319.4); c.10798+4088A>G (NM_133437.4); c.10597+4088A>G (NM_133432.3); c.11311+4088A>G (NM_001267550.2); short protein forms K4455R.
Identifiers: ClinVar variation 47753 (VCV000047753.64), dbSNP rs142304137, ClinGen allele CA141835.